The following is an entry in ClinVar:

NM_001040108.2(MLH3):c.3539G>C (p.Arg1180Pro)

Gene: MLH3 (mutL homolog 3; minus strand). Cytogenetic location: 14q24.3.
Variant type: single nucleotide variant.
Coding change: c.3539G>C on transcript NM_001040108.2 (MANE Select); coding-DNA position 3539, G replaced by C.
Protein change: p.Arg1180Pro; replaces arginine 1180 with proline.
Molecular consequence: missense variant.
Genome position (GRCh38, 1-based): chr14:75,039,942, C>G on the plus strand (G>C on the coding strand, the complement: MLH3 is on the minus strand). VCF-style: chr14-75039942-C-G. GRCh37 (hg19) VCF-style: chr14-75506645-C-G.
Other names: c.3539G>C, p.Arg1180Pro (NM_014381.3); short protein forms R1180P.
Identifiers: ClinVar variation 5024575 (VCV005024575.1).

ClinVar aggregate classification (germline): Uncertain significance (1 of 4 stars; one submission).

Submission:

Ambry Genetics
Classification: Uncertain significance. Last evaluated: 2026-06-24. Review status: criteria provided, single submitter. Criteria: Ambry Variant Classification Scheme 2023. Collection method: clinical testing. Allele origin: germline.
Comment: The p.R1180P variant (also known as c.3539G>C), located in coding exon 4 of the MLH3 gene, results from a G to C substitution at nucleotide position 3539. The arginine at codon 1180 is replaced by proline, an amino acid with dissimilar properties. This amino acid position is conserved. In addition, this alteration is predicted to be deleterious by in silico analysis. Based on the available evidence, the clinical significance of this variant remains unclear.